The following is an entry in ClinVar:

ClinVar aggregate classification (germline): Pathogenic (1 of 4 stars; one submission).

Conditions:
Cohen syndrome (COH1). Also called: PEPPER SYNDROME; Cutis verticis gyrata, retinitis pigmentosa, and sensorineural deafness. Identifiers: Orphanet 193, MedGen C0265223, MONDO:0008999, OMIM 216550.

Submission:

Labcorp Genetics (formerly Invitae), Labcorp
Classification: Pathogenic for Cohen syndrome. Last evaluated: 2025-12-11. Review status: criteria provided, single submitter. Criteria: Invitae Variant Classification Sherloc (09022015). Collection method: clinical testing. Allele origin: germline.
Comment: This sequence change creates a premature translational stop signal (p.Gln1810Leufs*13) in the VPS13B gene. It is expected to result in an absent or disrupted protein product. Loss-of-function variants in VPS13B are known to be pathogenic (PMID: 15141358, 16648375, 20461111). This variant is not present in population databases (gnomAD no frequency). This variant has not been reported in the literature in individuals affected with VPS13B-related conditions. ClinVar contains an entry for this variant (Variation ID: 858359). For these reasons, this variant has been classified as Pathogenic.

Literature cited by the submitters: PubMed 15141358; PubMed 16648375; PubMed 20461111.

NM_152564.5(VPS13B):c.5354_5375del (p.Gln1785fs)

Gene: VPS13B (vacuolar protein sorting 13 homolog B; plus strand). Cytogenetic location: 8q22.2.
Variant type: Deletion.
Coding change: c.5354_5375del on transcript NM_152564.5 (MANE Select); coding-DNA positions 5354 to 5375, 22 bases deleted (AGCACAGTGGTGCCAGTCAGCA).
Protein change: p.Gln1785fs; shifts the reading frame from glutamine 1785.
Molecular consequence: frameshift variant.
Genome position (GRCh38, 1-based): chr8:99,641,944-99,641,965, AGCACAGTGGTGCCAGTCAGCA deleted. VCF-style (leftmost placement, unchanged base first): chr8-99641943-CAGCACAGTGGTGCCAGTCAGCA-C. GRCh37 (hg19) VCF-style: chr8-100654171-CAGCACAGTGGTGCCAGTCAGCA-C.
Other names: c.5429_5450del, p.Gln1810fs (NM_017890.5); short protein forms Q1810fs, Q1785fs.
Identifiers: ClinVar variation 858359 (VCV000858359.7), dbSNP rs1829386577, ClinGen allele CA916081511.
Genomic context (GRCh38, chr8:99,641,943, plus strand): 5'-GGTGCTCAGGATAGTGGAATTGGCAGTGACAGTGTTAAAATCAGAATAGTGCAAATAGAG[CAGCACAGTGGTGCCAGTCAGCA>C]TCGCATTGCCCGTCCCTCACGCCAGTCATCAATTGTAAAAAATCTAAATTTTATTCCCTT-3'